The following is an entry in ClinVar:

NM_000021.4(PSEN1):c.145C>G (p.Pro49Ala)

Gene: PSEN1 (presenilin 1; plus strand). Cytogenetic location: 14q24.2.
Variant type: single nucleotide variant.
Coding change: c.145C>G on transcript NM_000021.4 (MANE Select); coding-DNA position 145, C replaced by G.
Protein change: p.Pro49Ala; replaces proline 49 with alanine.
Molecular consequence: missense variant.
Genome position (GRCh38, 1-based): chr14:73,170,854, C>G. VCF-style: chr14-73170854-C-G. GRCh37 (hg19) VCF-style: chr14-73637562-C-G.
Other names: c.145C>G (NM_000021.3); c.133C>G, p.Pro45Ala (NM_007318.3); short protein forms P45A, P49A.
Identifiers: ClinVar variation 1582098 (VCV001582098.11), dbSNP rs200373970, ClinGen allele CA7256689.

ClinVar aggregate classification (germline): Conflicting classifications of pathogenicity. Review status: criteria provided, conflicting classifications (1 of 4 stars). 3 submissions from 3 submitters: Uncertain significance (2); Likely benign (1). Last evaluated 2025-01-20.

Conditions:
Alzheimer disease 3 (AD3). Also called: ALZHEIMER DISEASE, FAMILIAL, 3. Identifiers: Orphanet 1020, MedGen C1843013, MONDO:0011913, OMIM 607822.
Frontotemporal dementia (FTD1). Also called: Dementia, frontotemporal, with or without parkinsonism; FRONTOTEMPORAL DEMENTIA WITH PARKINSONISM; FRONTOTEMPORAL LOBE DEMENTIA; Frontotemporal lobe dementia (FLDEM); MULTIPLE SYSTEM TAUOPATHY WITH PRESENILE DEMENTIA; WILHELMSEN-LYNCH DISEASE. Identifiers: Orphanet 282, MedGen C0338451, MONDO:0017276, OMIM 600274, HP:0002145.
Pick disease. Also called: Pick's disease; PICK DISEASE OF BRAIN; DEMENTIA WITH LOBAR ATROPHY AND NEURONAL CYTOPLASMIC INCLUSIONS; Pick Disease of the Brain; LOBAR ATROPHY OF BRAIN. Identifiers: Orphanet 282, MedGen C0236642, MONDO:0008243, OMIM 172700.
Acne inversa, familial, 3 (ACNINV3). Identifiers: MedGen C3151038, MONDO:0013398, OMIM 613737.
Inborn genetic diseases. Identifiers: MedGen C0950123, MeSH D030342.

Allele frequency attached by ClinVar (database versions not stated): ExAC 0.00003; gnomAD exomes 0.00003; ESP Exome Variant Server 0.00008; gnomAD 0.00013 and 0.00015; TOPMed 0.00019.
gnomAD v4.1: 60 of 1,614,028 alleles (0.0037%); highest among the groups gnomAD compares: African/African-American, 0.075%; no homozygotes.

Submissions (3):

Women's Health and Genetics/Laboratory Corporation of America, LabCorp
Classification: Uncertain significance. Last evaluated: 2025-01-20. Review status: criteria provided, single submitter. Criteria: LabCorp Variant Classification Summary - May 2015. Collection method: clinical testing. Allele origin: germline.
Comment: Variant summary: PSEN1 c.145C>G (p.Pro49Ala) results in a non-conservative amino acid change in the encoded protein sequence. Three of four in-silico tools predict a benign effect of the variant on protein function. The variant allele was found at a frequency of 3.7e-05 in 1614028 control chromosomes, predominantly at a frequency of 0.00075 within the African or African-American subpopulation in the gnomAD database. To our knowledge, no occurrence of c.145C>G in individuals affected with Alzheimer Disease, Type 3 and no experimental evidence demonstrating its impact on protein function have been reported. ClinVar contains an entry for this variant (Variation ID: 1582098). Based on the evidence outlined above, the variant was classified as uncertain significance.

Labcorp Genetics (formerly Invitae), Labcorp
Classification: Likely benign for Alzheimer disease 3; Pick disease; Acne inversa, familial, 3; Frontotemporal dementia. Last evaluated: 2024-10-15. Review status: criteria provided, single submitter. Criteria: Invitae Variant Classification Sherloc (09022015). Collection method: clinical testing. Allele origin: germline.

Ambry Genetics
Classification: Uncertain significance for Inborn genetic diseases. Last evaluated: 2021-07-27. Review status: criteria provided, single submitter. Criteria: Ambry Variant Classification Scheme 2023. Collection method: clinical testing. Allele origin: germline.